The following is an entry in ClinVar:

ClinVar aggregate classification (germline): Uncertain significance (1 of 4 stars; one submission).

Allele frequency attached by ClinVar (database versions not stated): gnomAD exomes 0.00001; ExAC 0.00005.
gnomAD v4.1: 12 of 1,614,176 alleles (0.00074%); highest among the groups gnomAD compares: Non-Finnish European, 0.001%; no homozygotes.

Submission:

GeneDx
Classification: Uncertain significance. Last evaluated: 2022-08-22. Review status: criteria provided, single submitter. Criteria: GeneDx Variant Classification Process June 2021. Collection method: clinical testing. Allele origin: germline. Affected: yes.
Comment: Not observed at significant frequency in large population cohorts (gnomAD); In silico analysis supports that this missense variant does not alter protein structure/function; Has not been previously published as pathogenic or benign to our knowledge

NM_004589.4(SCO1):c.850G>A (p.Gly284Arg)

Gene: SCO1 (synthesis of cytochrome C oxidase 1; minus strand). Cytogenetic location: 17p13.1.
Variant type: single nucleotide variant.
Coding change: c.850G>A on transcript NM_004589.4 (MANE Select); coding-DNA position 850, G replaced by A.
Protein change: p.Gly284Arg; replaces glycine 284 with arginine.
Molecular consequence: missense variant.
Genome position (GRCh38, 1-based): chr17:10,681,175, C>T on the plus strand (G>A on the coding strand, the complement: SCO1 is on the minus strand). VCF-style: chr17-10681175-C-T. GRCh37 (hg19) VCF-style: chr17-10584492-C-T.
Other names: short protein forms G284R.
Identifiers: ClinVar variation 2430904 (VCV002430904.1), dbSNP rs752737918, ClinGen allele CA8393461.